The following is an entry in ClinVar:

NM_001127453.2(GSDME):c.955T>C (p.Phe319Leu)

Gene: GSDME (gasdermin E; minus strand). Cytogenetic location: 7p15.3.
Variant type: single nucleotide variant.
Coding change: c.955T>C on transcript NM_001127453.2 (MANE Select); coding-DNA position 955, T replaced by C.
Protein change: p.Phe319Leu; replaces phenylalanine 319 with leucine.
Molecular consequence: missense variant.
Genome position (GRCh38, 1-based): chr7:24,708,162, A>G on the plus strand (T>C on the coding strand, the complement: GSDME is on the minus strand). VCF-style: chr7-24708162-A-G. GRCh37 (hg19) VCF-style: chr7-24747781-A-G.
Other names: c.463T>C, p.Phe155Leu (NM_001127454.2); c.955T>C, p.Phe319Leu (NM_004403.3); short protein forms F319L, F155L.
Identifiers: ClinVar variation 2106901 (VCV002106901.4), dbSNP rs2534980835, ClinGen allele CA367047316.
Genomic context (GRCh38, chr7:24,708,162, plus strand): 5'-TGCCTTGAGATGTCTCAGGGCTCACCACTGGTTCCAGGACCATGAGTAGTTCATCATCAA[A>G]TAGGACCGCCTGGAAGATGTCACTCAAAGCTGTCTGTTGTGGCTCAGGCAGCTCCGCAAA-3'
Protein context (NP_001120925.1, residues 309-329): ALSDIFQAVL[Phe319Leu]DDELLMVLEP

ClinVar aggregate classification (germline): Uncertain significance (1 of 4 stars; one submission).

Submission:

Labcorp Genetics (formerly Invitae), Labcorp
Classification: Uncertain significance. Last evaluated: 2025-05-16. Review status: criteria provided, single submitter. Criteria: Invitae Variant Classification Sherloc (09022015). Collection method: clinical testing. Allele origin: germline.
Comment: This sequence change replaces phenylalanine, which is neutral and non-polar, with leucine, which is neutral and non-polar, at codon 319 of the DFNA5 protein (p.Phe319Leu). This variant is not present in population databases (gnomAD no frequency). This variant has not been reported in the literature in individuals affected with DFNA5-related conditions. ClinVar contains an entry for this variant (Variation ID: 2106901). Invitae Evidence Modeling of protein sequence and biophysical properties (such as structural, functional, and spatial information, amino acid conservation, physicochemical variation, residue mobility, and thermodynamic stability) indicates that this missense variant is not expected to disrupt DFNA5 protein function with a negative predictive value of 80%. In summary, the available evidence is currently insufficient to determine the role of this variant in disease. Therefore, it has been classified as a Variant of Uncertain Significance.